The following is an entry in ClinVar:

ClinVar aggregate classification (germline): Conflicting classifications of pathogenicity. Review status: criteria provided, conflicting classifications (1 of 4 stars). 3 submissions from 3 submitters: Uncertain significance (1); Likely benign (1). 1 of the submissions does not count toward it. Last evaluated 2026-01-25.

Conditions:
PKHD1-related disorder. Also called: PKHD1-related condition.
Autosomal recessive polycystic kidney disease (ARPKD). Also called: AR polycystic kidney disease. Identifiers: Orphanet 731, Orphanet 8378, MedGen C0085548, MeSH D017044, MONDO:0009889.

Allele frequency attached by ClinVar (database versions not stated): ExAC 0.00002; gnomAD exomes 0.00002; gnomAD 0.00008 and 0.00009; TOPMed 0.00011; 1000 Genomes Project 30x 0.00016; 1000 Genomes Project 0.00020.
gnomAD v4.1: 40 of 1,614,194 alleles (0.0025%); highest among the groups gnomAD compares: African/African-American, 0.048%; no homozygotes.

Submissions (3):

Labcorp Genetics (formerly Invitae), Labcorp
Classification: Likely benign for Autosomal recessive polycystic kidney disease. Last evaluated: 2026-01-25. Review status: criteria provided, single submitter. Criteria: Invitae Variant Classification Sherloc (09022015). Collection method: clinical testing. Allele origin: germline.

Eurofins Ntd Llc (ga)
Classification: Uncertain significance. Last evaluated: 2018-08-30. Review status: criteria provided, single submitter. Criteria: EGL ClinVar v180209 classification definitions. Collection method: clinical testing. Allele origin: germline. Observed: 1 variant allele, 1 heterozygote.

PreventionGenetics, part of Exact Sciences
Classification: Likely benign for PKHD1-related condition. Last evaluated: 2021-08-09. Review status: no assertion criteria provided. Collection method: clinical testing. Allele origin: germline. Not counted in ClinVar's aggregate classification.
Comment: This variant is classified as likely benign based on ACMG/AMP sequence variant interpretation guidelines (Richards et al. 2015 PMID: 25741868, with internal and published modifications).

NM_138694.4(PKHD1):c.4866C>A (p.Leu1622=)

Genes: PKHD1 (PKHD1 ciliary IPT domain containing fibrocystin/polyductin; minus strand), LOC126859690 (MED14-independent group 3 enhancer GRCh37_chr6:51888848-51890047; plus strand). Cytogenetic location: 6p12.2.
Variant type: single nucleotide variant.
Coding change: c.4866C>A on transcript NM_138694.4 (MANE Select); coding-DNA position 4866, C replaced by A.
Protein change: p.Leu1622=; no amino-acid change (leucine 1622 retained).
Molecular consequence: synonymous variant.
Genome position (GRCh38, 1-based): chr6:52,024,944, G>T on the plus strand (C>A on the coding strand, the complement: PKHD1 is on the minus strand). VCF-style: chr6-52024944-G-T. GRCh37 (hg19) VCF-style: chr6-51889742-G-T.
Other names: c.4866C>A, p.Leu1622= (NM_170724.3).
Identifiers: ClinVar variation 598593 (VCV000598593.20), dbSNP rs571966529, ClinGen allele CA3852651.